The following is an entry in ClinVar:

ClinVar aggregate classification (germline): Benign. Review status: criteria provided, multiple submitters, no conflicts (2 of 4 stars). 3 submissions from 3 submitters: Benign (3). Last evaluated 2026-09-01.

Allele frequency attached by ClinVar (database versions not stated): 1000 Genomes Project 0.00339; 1000 Genomes Project 30x 0.00359; TOPMed 0.00821; gnomAD exomes 0.00916 and 0.01247; ExAC 0.00922; gnomAD 0.00925 and 0.00967; ESP Exome Variant Server 0.01015.
gnomAD v4.1: 19,542 of 1,614,120 alleles (1.2%); highest among the groups gnomAD compares: Middle Eastern, 1.8%; 147 homozygotes.

Submissions (3):

CeGaT Center for Human Genetics Tuebingen
Classification: Benign. Last evaluated: 2026-09-01. Review status: criteria provided, single submitter. Criteria: CeGaT Center For Human Genetics Tuebingen Variant Classification Criteria Version 2. Collection method: clinical testing. Allele origin: germline. Affected: yes. Observed: 10 variant alleles.
Comment: LUZP1: BP4, BS1, BS2

Labcorp Genetics (formerly Invitae), Labcorp
Classification: Benign. Last evaluated: 2018-03-29. Review status: criteria provided, single submitter. Criteria: Invitae Variant Classification Sherloc (09022015). Collection method: clinical testing. Allele origin: germline.

Breakthrough Genomics
Classification: Benign. Review status: criteria provided, single submitter. Criteria: ACMG Guidelines, 2015. Collection method: not provided. Allele origin: germline. Inheritance: Unknown mechanism. Affected: yes.

NM_001395462.2(LUZP1):c.1952C>G (p.Ser651Cys)

Gene: LUZP1 (leucine zipper protein 1; minus strand). Cytogenetic location: 1p36.12.
Variant type: single nucleotide variant.
Coding change: c.1952C>G on transcript NM_001395462.2 (MANE Select); coding-DNA position 1952, C replaced by G.
Protein change: p.Ser651Cys; replaces serine 651 with cysteine.
Molecular consequence: missense variant.
Genome position (GRCh38, 1-based): chr1:23,092,310, G>C on the plus strand (C>G on the coding strand, the complement: LUZP1 is on the minus strand). VCF-style: chr1-23092310-G-C. GRCh37 (hg19) VCF-style: chr1-23418803-G-C.
Other names: c.1952C>G, p.Ser651Cys (NM_001142546.4, NM_001395461.1, NM_033631.5); short protein forms S651C.
Identifiers: ClinVar variation 770680 (VCV000770680.30), dbSNP rs35645814, ClinGen allele CA680281.